The following is an entry in ClinVar:

ClinVar aggregate classification (germline): Uncertain significance (1 of 4 stars; one submission).

Conditions:
Hereditary cancer-predisposing syndrome. Also called: Tumor predisposition; Neoplastic Syndromes, Hereditary; Hereditary neoplastic syndrome; Hereditary Cancer Syndrome. Identifiers: Orphanet 140162, MedGen C0027672, MeSH D009386, MONDO:0015356.

Submission:

Ambry Genetics
Classification: Uncertain significance for Hereditary cancer-predisposing syndrome. Last evaluated: 2025-07-22. Review status: criteria provided, single submitter. Criteria: Ambry Variant Classification Scheme 2023. Collection method: clinical testing. Allele origin: germline.
Comment: The c.-4C>T variant is located in the 5' untranslated region (5&rsquo; UTR) of the KIT gene. This variant results from a C to T substitution 4 bases upstream from the first translated codon. This nucleotide position is well conserved in available vertebrate species. Based on the available evidence, the clinical significance of this variant remains unclear.

NM_000222.3(KIT):c.-4C>T

Gene: KIT (KIT proto-oncogene, receptor tyrosine kinase; plus strand). Cytogenetic location: 4q12.
Variant type: single nucleotide variant.
Coding change: c.-4C>T on transcript NM_000222.3 (MANE Select); 4 bases upstream of the start codon, C replaced by T.
Molecular consequence: 5 prime UTR variant.
Genome position (GRCh38, 1-based): chr4:54,658,011, C>T. VCF-style: chr4-54658011-C-T. GRCh37 (hg19) VCF-style: chr4-55524178-C-T.
Other names: c.-4C>T (NM_001093772.2, NM_001385284.1, NM_001385285.1 and 4 more transcripts).
Identifiers: ClinVar variation 4093168 (VCV004093168.1).